The following is an entry in ClinVar:

ClinVar aggregate classification (germline): Likely benign. Review status: criteria provided, multiple submitters, no conflicts (2 of 4 stars). 4 submissions from 4 submitters: Likely benign (3). 1 of the submissions does not count toward it. Last evaluated 2026-01-20.

Conditions:
Bone mineral density quantitative trait locus 1 (BMND1). Identifiers: MedGen C1866079, OMIM 601884.
Autosomal dominant osteopetrosis 1 (OPTA1). Also called: OSTEOPETROSIS, AUTOSOMAL DOMINANT, TYPE I. Identifiers: Orphanet 2783, MedGen C1843330, MONDO:0011877, OMIM 607634.
Osteoporosis with pseudoglioma (OPPG). Also called: osteoporosis-pseudoglioma syndrome. Identifiers: Orphanet 2788, MedGen C0432252, MONDO:0009820, OMIM 259770.
Osteoporosis. Identifiers: MedGen C0029456, MONDO:0005298, OMIM 166710, HP:0000939.
Exudative vitreoretinopathy 4 (EVR4). Identifiers: Orphanet 891, MedGen C1866176, MONDO:0011151, OMIM 601813.
Exudative vitreoretinopathy 1 (EVR1). Also called: FEVR, AUTOSOMAL DOMINANT; Familial exudative vitreoretinopathy, autosomal dominant; CRISWICK-SCHEPENS SYNDROME. Identifiers: Orphanet 891, Orphanet 90050, MedGen C1851402, MONDO:0007589, OMIM 133780.
Polycystic liver disease 4 with or without kidney cysts. Identifiers: MedGen C4693479, MONDO:0044327, OMIM 617875.
Worth disease. Also called: OSTEOSCLEROSIS, AUTOSOMAL DOMINANT; ENDOSTEAL HYPEROSTOSIS, AUTOSOMAL DOMINANT; Autosomal dominant osteosclerosis, Worth type. Identifiers: Orphanet 2790, MedGen C0432273, MONDO:0007764, OMIM 144750.
LRP5-related disorder. Also called: LRP5-related condition.

Allele frequency attached by ClinVar (database versions not stated): ExAC 0.00003; gnomAD exomes 0.00005 and 0.00006; TOPMed 0.00009; gnomAD 0.00011; ESP Exome Variant Server 0.00015.
gnomAD v4.1: 106 of 1,613,350 alleles (0.0066%); highest among the groups gnomAD compares: Middle Eastern, 0.016%; no homozygotes.

Submissions (4):

Labcorp Genetics (formerly Invitae), Labcorp
Classification: Likely benign. Last evaluated: 2026-01-20. Review status: criteria provided, single submitter. Criteria: Invitae Variant Classification Sherloc (09022015). Collection method: clinical testing. Allele origin: germline.

Blueprint Genetics
Classification: Likely benign. Last evaluated: 2024-11-01. Review status: criteria provided, single submitter. Criteria: ACMG Guidelines, 2015. Collection method: clinical testing. Allele origin: germline.

Fulgent Genetics
Classification: Likely benign for Exudative vitreoretinopathy 1; Worth disease; Osteoporosis; Osteoporosis with pseudoglioma; Exudative vitreoretinopathy 4; Bone mineral density quantitative trait locus 1; Autosomal dominant osteopetrosis 1; Polycystic liver disease 4 with or without kidney cysts. Last evaluated: 2021-10-07. Review status: criteria provided, single submitter. Criteria: ACMG Guidelines, 2015. Collection method: clinical testing. Allele origin: unknown.

PreventionGenetics, part of Exact Sciences
Classification: Likely benign for LRP5-related condition. Last evaluated: 2019-10-25. Review status: no assertion criteria provided. Collection method: clinical testing. Allele origin: germline. Not counted in ClinVar's aggregate classification.
Comment: This variant is classified as likely benign based on ACMG/AMP sequence variant interpretation guidelines (Richards et al. 2015 PMID: 25741868, with internal and published modifications).

NM_002335.4(LRP5):c.3837C>T (p.Arg1279=)

Gene: LRP5 (LDL receptor related protein 5; plus strand). Cytogenetic location: 11q13.2.
Variant type: single nucleotide variant.
Coding change: c.3837C>T on transcript NM_002335.4 (MANE Select); coding-DNA position 3837, C replaced by T.
Protein change: p.Arg1279=; no amino-acid change (arginine 1279 retained).
Molecular consequence: synonymous variant.
Genome position (GRCh38, 1-based): chr11:68,433,675, C>T. VCF-style: chr11-68433675-C-T. GRCh37 (hg19) VCF-style: chr11-68201143-C-T.
Other names: c.2094C>T, p.Arg698= (NM_001291902.2); c.3837C>T (NM_002335.3).
Identifiers: ClinVar variation 1120489 (VCV001120489.13), dbSNP rs372930578, ClinGen allele CA6150126.